The following is an entry in ClinVar:

ClinVar aggregate classification (germline): Uncertain significance (1 of 4 stars; one submission).

gnomAD v4.1: 2 of 1,605,162 alleles (0.00012%); no homozygotes.

Submission:

Labcorp Genetics (formerly Invitae), Labcorp
Classification: Uncertain significance. Last evaluated: 2024-02-24. Review status: criteria provided, single submitter. Criteria: Invitae Variant Classification Sherloc (09022015). Collection method: clinical testing. Allele origin: germline.
Comment: This sequence change replaces arginine, which is basic and polar, with glycine, which is neutral and non-polar, at codon 84 of the PPA2 protein (p.Arg84Gly). This variant is not present in population databases (gnomAD no frequency). This variant has not been reported in the literature in individuals affected with PPA2-related conditions. ClinVar contains an entry for this variant (Variation ID: 1480328). An algorithm developed to predict the effect of missense changes on protein structure and function (PolyPhen-2) suggests that this variant is likely to be disruptive. In summary, the available evidence is currently insufficient to determine the role of this variant in disease. Therefore, it has been classified as a Variant of Uncertain Significance.

NM_176869.3(PPA2):c.250C>G (p.Arg84Gly)

Gene: PPA2 (inorganic pyrophosphatase 2; minus strand). Cytogenetic location: 4q24.
Variant type: single nucleotide variant.
Coding change: c.250C>G on transcript NM_176869.3 (MANE Select); coding-DNA position 250, C replaced by G.
Protein change: p.Arg84Gly; replaces arginine 84 with glycine.
Molecular consequence: missense variant. On other transcripts: intron variant (2).
Genome position (GRCh38, 1-based): chr4:105,453,615, G>C on the plus strand (C>G on the coding strand, the complement: PPA2 is on the minus strand). VCF-style: chr4-105453615-G-C. GRCh37 (hg19) VCF-style: chr4-106374772-G-C.
Other names: c.250C>G, p.Arg84Gly (NM_006903.4); c.157+20279C>G (NM_176867.3); c.222+3066C>G (NM_176866.2); short protein forms R84G.
Identifiers: ClinVar variation 1480328 (VCV001480328.6), dbSNP rs781655422, ClinGen allele CA357804767.